The following is an entry in ClinVar:

ClinVar aggregate classification (germline): Likely benign (1 of 4 stars; one submission).

Conditions:
VWA1-related disorder. Also called: VWA1-related condition.

gnomAD v4.1: 48 of 1,321,228 alleles (0.0036%); highest among the groups gnomAD compares: Admixed American, 0.091%; no homozygotes.

Submission:

PreventionGenetics, part of Exact Sciences
Classification: Likely benign for VWA1-related condition. Last evaluated: 2025-01-27. Review status: criteria provided, single submitter. Criteria: ACMG Guidelines, 2015. Collection method: clinical testing. Allele origin: germline.
Comment: This variant is classified as likely benign based on ACMG/AMP sequence variant interpretation guidelines (Richards et al. 2015 PMID: 25741868, with internal and published modifications).

NM_022834.5(VWA1):c.1206C>T (p.Thr402=)

Gene: VWA1 (von Willebrand factor A domain containing 1; plus strand). Cytogenetic location: 1p36.33.
Variant type: single nucleotide variant.
Coding change: c.1206C>T on transcript NM_022834.5 (MANE Select); coding-DNA position 1206, C replaced by T.
Protein change: p.Thr402=; no amino-acid change (threonine 402 retained).
Molecular consequence: synonymous variant. On other transcripts: 3 prime UTR variant (1).
Genome position (GRCh38, 1-based): chr1:1,439,655, C>T. VCF-style: chr1-1439655-C-T. GRCh37 (hg19) VCF-style: chr1-1375035-C-T.
Other names: c.*616C>T (NM_199121.3).
Identifiers: ClinVar variation 4977789 (VCV004977789.1).